The following is an entry in ClinVar:

ClinVar aggregate classification (germline): Uncertain significance (1 of 4 stars; one submission).

Submission:

CeGaT Center for Human Genetics Tuebingen
Classification: Uncertain significance. Last evaluated: 2025-07-01. Review status: criteria provided, single submitter. Criteria: CeGaT Center For Human Genetics Tuebingen Variant Classification Criteria Version 2. Collection method: clinical testing. Allele origin: germline. Affected: yes. Observed: 1 variant allele.
Comment: GATA3: PM2:Supporting, BP4

NM_001002295.2(GATA3):c.450C>G (p.Leu150=)

Gene: GATA3 (GATA binding protein 3; plus strand). Cytogenetic location: 10p14.
Variant type: single nucleotide variant.
Coding change: c.450C>G on transcript NM_001002295.2 (MANE Select); coding-DNA position 450, C replaced by G.
Protein change: p.Leu150=; no amino-acid change (leucine 150 retained).
Molecular consequence: synonymous variant.
Genome position (GRCh38, 1-based): chr10:8,058,513, C>G. VCF-style: chr10-8058513-C-G. GRCh37 (hg19) VCF-style: chr10-8100476-C-G.
Other names: c.450C>G, p.Leu150= (NM_001441115.1, NM_001441116.1, NM_001441117.1 and 18 more transcripts).
Identifiers: ClinVar variation 4085213 (VCV004085213.8).